The following is an entry in ClinVar:

NM_006118.4(HAX1):c.107AAG[6] (p.Glu40_Gly41insGlu)

Gene: HAX1 (HCLS1 associated protein X-1; plus strand). Cytogenetic location: 1q21.3.
Variant type: Microsatellite.
Coding change: c.107AAG[6] on transcript NM_006118.4 (MANE Select); six copies in a row of the 3-base unit AAG starting at c.107; the reference has five copies in a row; one copy, 3 bases duplicated.
Protein change: p.Glu40_Gly41insGlu.
Molecular consequence: inframe insertion. On other transcripts: intron variant (1).
Genome position (GRCh38, 1-based): chr1:154,273,401-154,273,403, AAG duplicated; duplicating any 3 consecutive bases within chr1:154,273,388-154,273,403 gives the same sequence; the position shown is the placement nearest the transcript's 3' end. VCF-style (leftmost placement, unchanged base first): chr1-154273387-G-GGAA. GRCh37 (hg19) VCF-style: chr1-154245863-G-GGAA.
Other names: c.54-92GAA[6] (NM_001018837.2).
Identifiers: ClinVar variation 2062435 (VCV002062435.1), dbSNP rs753894148, ClinGen allele CA1127254.
Genomic context (GRCh38, chr1:154,273,387, plus strand): 5'-CACTCTCAGCCACAGAGATCCCTTTTTTGGAGGGATGACTCGAGATGAAGATGATGATGA[G>GGAA]GAAGAAGAAGAAGAAGGGGGCTCATGGGGCCGTGGGAACCCAAGGTTCCATAGTCCTCAG-3'

ClinVar aggregate classification (germline): Uncertain significance (1 of 4 stars; one submission).

Conditions:
Kostmann syndrome (SCN3). Also called: Autosomal recessive severe congenital neutropenia type 3; KOSTMANN DISEASE. Identifiers: Orphanet 99749, MedGen C5235141, MONDO:0012548, OMIM 610738.

Submission:

Labcorp Genetics (formerly Invitae), Labcorp
Classification: Uncertain significance for Kostmann syndrome. Last evaluated: 2022-05-07. Review status: criteria provided, single submitter. Criteria: Invitae Variant Classification Sherloc (09022015). Collection method: clinical testing. Allele origin: germline.
Comment: This variant, c.119_121dup, results in the insertion of 1 amino acid(s) of the HAX1 protein (p.Glu40dup), but otherwise preserves the integrity of the reading frame. This variant is present in population databases (rs753894148, gnomAD 0.01%). This variant has not been reported in the literature in individuals affected with HAX1-related conditions. Experimental studies and prediction algorithms are not available or were not evaluated, and the functional significance of this variant is currently unknown. In summary, the available evidence is currently insufficient to determine the role of this variant in disease. Therefore, it has been classified as a Variant of Uncertain Significance.